The following is an entry in ClinVar:

NM_000535.7(PMS2):c.60G>A (p.Arg20=)

Gene: PMS2 (PMS1 homolog 2, mismatch repair system component; minus strand). Cytogenetic location: 7p22.1.
Variant type: single nucleotide variant.
Coding change: c.60G>A on transcript NM_000535.7 (MANE Select); coding-DNA position 60, G replaced by A.
Protein change: p.Arg20=; no amino-acid change (arginine 20 retained).
Molecular consequence: synonymous variant. On other transcripts: 5 prime UTR variant (38), non-coding transcript variant (1), intron variant (7).
Genome position (GRCh38, 1-based): chr7:6,005,995, C>T on the plus strand (G>A on the coding strand, the complement: PMS2 is on the minus strand). VCF-style: chr7-6005995-C-T. GRCh37 (hg19) VCF-style: chr7-6045626-C-T.
Other names: c.-336G>A (NM_001406890.1); c.-346G>A (NM_001406891.1, NM_001406893.1, NM_001406897.1 and 11 more transcripts); c.-293G>A (NM_001406892.1, NM_001406894.1, NM_001406899.1 and 5 more transcripts); c.-156G>A (NM_001406896.1, NM_001406901.1, NM_001406902.1 and 4 more transcripts); c.-322G>A (NM_001406900.1); c.60G>A, p.Arg20= (NM_001406912.1, NM_001322006.2, NM_001322014.2 and 10 more transcripts); c.-52-1937G>A (NM_001322008.2); c.-218-1937G>A (NM_001406881.1); and 7 more.
Identifiers: ClinVar variation 2897977 (VCV002897977.4), dbSNP rs1554306548, ClinGen allele CA453650333.
Genomic context (GRCh38, chr7:6,005,995, plus strand): 5'-CTTTACCGCAGTGCTTAGACTCAGTACCACCTGCCCAGAGCAAATCTGATGGACTGACTT[C>T]CGATCAATAGGTTTGATGGCCTTAGCAGGTTCTGTACTAGAGAAATCAGTTACAAGAAAC-3'
Protein context (NP_000526.2, residues 10-30): EPAKAIKPID[Arg20=]KSVHQICSGQ

ClinVar aggregate classification (germline): Benign/Likely benign. Review status: criteria provided, multiple submitters, no conflicts (2 of 4 stars). 2 submissions from 2 submitters: Benign (1); Likely benign (1). Last evaluated 2025-01-23.

Conditions:
Hereditary nonpolyposis colorectal neoplasms. Identifiers: MedGen C0009405, MeSH D003123.
Lynch syndrome 4 (LYNCH4). Also called: Colorectal cancer, hereditary nonpolyposis, type 4; Hereditary non-polyposis colorectal cancer, type 4. Identifiers: Orphanet 144, MedGen C1838333, MONDO:0013699, OMIM 614337. Disease mechanism: loss of function.

Submissions (2):

Myriad Genetics, Inc.
Classification: Benign for Lynch syndrome 4. Last evaluated: 2025-01-23. Review status: criteria provided, single submitter. Criteria: Myriad Autosomal Dominant, Autosomal Recessive and X-Linked Classification Criteria (2023). Collection method: clinical testing. Allele origin: unknown.
Comment: This variant is considered benign. This variant is a silent/synonymous amino acid change and it is not expected to impact splicing.

Labcorp Genetics (formerly Invitae), Labcorp
Classification: Likely benign for Hereditary nonpolyposis colorectal neoplasms. Last evaluated: 2023-10-05. Review status: criteria provided, single submitter. Criteria: Invitae Variant Classification Sherloc (09022015). Collection method: clinical testing. Allele origin: germline.